The following is an entry in ClinVar:

ClinVar aggregate classification (germline): Uncertain significance (1 of 4 stars; one submission).

Allele frequency attached by ClinVar (database versions not stated): gnomAD 0.00001; TOPMed 0.00001.

Submission:

Labcorp Genetics (formerly Invitae), Labcorp
Classification: Uncertain significance. Last evaluated: 2022-02-21. Review status: criteria provided, single submitter. Criteria: Invitae Variant Classification Sherloc (09022015). Collection method: clinical testing. Allele origin: germline.
Comment: This sequence change replaces glycine, which is neutral and non-polar, with serine, which is neutral and polar, at codon 580 of the COL7A1 protein (p.Gly580Ser). This variant is not present in population databases (gnomAD no frequency). This variant has not been reported in the literature in individuals affected with COL7A1-related conditions. Advanced modeling of protein sequence and biophysical properties (such as structural, functional, and spatial information, amino acid conservation, physicochemical variation, residue mobility, and thermodynamic stability) performed at Invitae indicates that this missense variant is expected to disrupt COL7A1 protein function. In summary, the available evidence is currently insufficient to determine the role of this variant in disease. Therefore, it has been classified as a Variant of Uncertain Significance.

NM_000094.4(COL7A1):c.1738G>A (p.Gly580Ser)

Gene: COL7A1 (collagen type VII alpha 1 chain; minus strand). Cytogenetic location: 3p21.31.
Variant type: single nucleotide variant.
Coding change: c.1738G>A on transcript NM_000094.4 (MANE Select); coding-DNA position 1738, G replaced by A.
Protein change: p.Gly580Ser; replaces glycine 580 with serine.
Molecular consequence: missense variant.
Genome position (GRCh38, 1-based): chr3:48,590,715, C>T on the plus strand (G>A on the coding strand, the complement: COL7A1 is on the minus strand). VCF-style: chr3-48590715-C-T. GRCh37 (hg19) VCF-style: chr3-48628148-C-T.
Other names: short protein forms G580S.
Identifiers: ClinVar variation 1914467 (VCV001914467.2), dbSNP rs1343572993, ClinGen allele CA352729399.